The following is an entry in ClinVar:

NM_000053.4(ATP7B):c.*1182C>T

Genes: ATP7B (ATPase copper transporting beta; minus strand), TMEM272 (transmembrane protein 272; minus strand). Cytogenetic location: 13q14.3.
Variant type: single nucleotide variant.
Coding change: c.*1182C>T on transcript NM_000053.4 (MANE Select); 1182 bases downstream of the stop codon, C replaced by T.
Molecular consequence: 3 prime UTR variant.
Genome position (GRCh38, 1-based): chr13:51,933,574, G>A on the plus strand (C>T on the coding strand, the complement: ATP7B is on the minus strand). VCF-style: chr13-51933574-G-A. GRCh37 (hg19) VCF-style: chr13-52507710-G-A.
Other names: c.*1182C>T (NM_001005918.3, NM_001243182.2, NM_001330578.2 and 1 more transcripts).
Identifiers: ClinVar variation 312356 (VCV000312356.5), dbSNP rs79490882, ClinGen allele CA10644721.

ClinVar aggregate classification (germline): Benign (1 of 4 stars; one submission).

Conditions:
Wilson disease (WND). Also called: Wilson's disease. Identifiers: Orphanet 905, MedGen C0019202, MONDO:0010200, OMIM 277900. Disease mechanism: loss of function.

Allele frequency attached by ClinVar (database versions not stated): gnomAD 0.03356 and 0.03607; 1000 Genomes Project 0.03554; TOPMed 0.03698; 1000 Genomes Project 30x 0.03841; gnomAD exomes 0.06250.
gnomAD v4.1: 5,060 of 152,318 alleles (3.3%); highest among the groups gnomAD compares: African/African-American, 11%; 242 homozygotes.

Submission:

Illumina Laboratory Services, Illumina
Classification: Benign for Wilson disease. Last evaluated: 2018-01-13. Review status: criteria provided, single submitter. Criteria: ICSL Variant Classification Criteria 13 December 2019. Collection method: clinical testing. Allele origin: germline.
Comment: This variant was observed in the ICSL laboratory as part of a predisposition screen in an ostensibly healthy population. It had not been previously curated by ICSL or reported in the Human Gene Mutation Database (HGMD: prior to June 1st, 2018), and was therefore a candidate for classification through an automated scoring system. Utilizing variant allele frequency, disease prevalence and penetrance estimates, and inheritance mode, an automated score was calculated to assess if this variant is too frequent to cause the disease. Based on the score and internal cut-off values, a variant classified as benign is not then subjected to further curation. The score for this variant resulted in a classification of benign for this disease.